The following is an entry in ClinVar:

NM_201384.3(PLEC):c.2140A>G (p.Ile714Val)

Gene: PLEC (plectin; minus strand). Cytogenetic location: 8q24.3.
Variant type: single nucleotide variant.
Coding change: c.2140A>G on transcript NM_201384.3 (MANE Select); coding-DNA position 2140, A replaced by G.
Protein change: p.Ile714Val; replaces isoleucine 714 with valine.
Molecular consequence: missense variant.
Genome position (GRCh38, 1-based): chr8:143,931,975, T>C on the plus strand (A>G on the coding strand, the complement: PLEC is on the minus strand). VCF-style: chr8-143931975-T-C. GRCh37 (hg19) VCF-style: chr8-145006143-T-C.
Other names: c.2221A>G, p.Ile741Val (NM_000445.5); c.2098A>G, p.Ile700Val (NM_201378.4); c.2074A>G, p.Ile692Val (NM_201379.3); c.2551A>G, p.Ile851Val (NM_201380.4); c.2044A>G, p.Ile682Val (NM_201381.3); c.2140A>G, p.Ile714Val (NM_201382.4); c.2152A>G, p.Ile718Val (NM_201383.3); short protein forms I682V, I692V, I700V, I714V, I718V, I741V, I851V.
Identifiers: ClinVar variation 448055 (VCV000448055.41), dbSNP rs189137260, ClinGen allele CA4927642.

ClinVar aggregate classification (germline): Conflicting classifications of pathogenicity. Review status: criteria provided, conflicting classifications (1 of 4 stars). 6 submissions from 6 submitters: Uncertain significance (1); Benign (2); Likely benign (3). Last evaluated 2026-01-26.

Conditions:
Autosomal recessive limb-girdle muscular dystrophy type 2Q (LGMDR17). Also called: MUSCULAR DYSTROPHY, LIMB-GIRDLE, AUTOSOMAL RECESSIVE 17. Identifiers: Orphanet 254361, MedGen C3150989, MONDO:0013390, OMIM 613723.
Epidermolysis bullosa simplex 5B, with muscular dystrophy (EBS5B). Also called: Epidermolysis bullosa simplex with muscular dystrophy; EPIDERMOLYSIS BULLOSA SIMPLEX AND LIMB-GIRDLE MUSCULAR DYSTROPHY. Identifiers: Orphanet 257, MedGen C2931072, MONDO:0009181, OMIM 226670.
Epidermolysis bullosa simplex, Ogna type (EBS5A). Also called: Pidermolysis bullosa simplex 5A, Ogna type; EPIDERMOLYSIS BULLOSA SIMPLEX 5A, OGNA TYPE. Identifiers: Orphanet 79401, MedGen C0432317, MONDO:0007555, OMIM 131950.
Epidermolysis bullosa simplex 5C, with pyloric atresia (EBS5C). Also called: PLEC-Related Epidermolysis Bullosa with Pyloric Atresia; Epidermolysis bullosa simplex with pyloric atresia; PLEC1-Related Epidermolysis Bullosa with Pyloric Atresia. Identifiers: Orphanet 158684, MedGen C2677349, MONDO:0012807, OMIM 612138.
Epidermolysis bullosa simplex with nail dystrophy (EBS5D). Identifiers: MedGen C4225309, MONDO:0014661, OMIM 616487.
Inborn genetic diseases. Identifiers: MedGen C0950123, MeSH D030342.

Allele frequency attached by ClinVar (database versions not stated): gnomAD 0.00021 and 0.00030; gnomAD exomes 0.00034 and 0.00076; TOPMed 0.00044; ExAC 0.00102; 1000 Genomes Project 0.00140; 1000 Genomes Project 30x 0.00250.
gnomAD v4.1: 549 of 1,608,022 alleles (0.034%); highest among the groups gnomAD compares: East Asian, 1%; 4 homozygotes.

Submissions (6):

Labcorp Genetics (formerly Invitae), Labcorp
Classification: Benign for Autosomal recessive limb-girdle muscular dystrophy type 2Q; Epidermolysis bullosa simplex, Ogna type; Epidermolysis bullosa simplex with nail dystrophy; Epidermolysis bullosa simplex 5C, with pyloric atresia; Epidermolysis bullosa simplex 5B, with muscular dystrophy. Last evaluated: 2026-01-26. Review status: criteria provided, single submitter. Criteria: Invitae Variant Classification Sherloc (09022015). Collection method: clinical testing. Allele origin: germline.

Ambry Genetics
Classification: Uncertain significance for Inborn genetic diseases. Last evaluated: 2025-12-11. Review status: criteria provided, single submitter. Criteria: Ambry Variant Classification Scheme 2023. Collection method: clinical testing. Allele origin: germline.

Blueprint Genetics
Classification: Likely benign. Last evaluated: 2024-11-22. Review status: criteria provided, single submitter. Criteria: ACMG Guidelines, 2015. Collection method: clinical testing. Allele origin: germline.

Athena Diagnostics
Classification: Benign. Last evaluated: 2024-08-29. Review status: criteria provided, single submitter. Criteria: Athena Diagnostics Criteria. Collection method: clinical testing. Allele origin: unknown.

CeGaT Center for Human Genetics Tuebingen
Classification: Likely benign. Last evaluated: 2023-10-01. Review status: criteria provided, single submitter. Criteria: CeGaT Center For Human Genetics Tuebingen Variant Classification Criteria Version 2. Collection method: clinical testing. Allele origin: germline. Affected: yes. Observed: 1 variant allele.
Comment: PLEC: BP4, BS1

GeneDx
Classification: Likely benign. Last evaluated: 2018-08-30. Review status: criteria provided, single submitter. Criteria: GeneDx Variant Classification Process June 2021. Collection method: clinical testing. Allele origin: germline. Affected: yes.
Comment: See Variant Classification Assertion Criteria.